The following is an entry in ClinVar:

NM_144701.3(IL23R):c.420C>T (p.Gly140=)

Gene: IL23R (interleukin 23 receptor; plus strand). Cytogenetic location: 1p31.3.
Variant type: single nucleotide variant.
Coding change: c.420C>T on transcript NM_144701.3 (MANE Select); coding-DNA position 420, C replaced by T.
Protein change: p.Gly140=; no amino-acid change (glycine 140 retained).
Molecular consequence: synonymous variant.
Genome position (GRCh38, 1-based): chr1:67,182,888, C>T. VCF-style: chr1-67182888-C-T. GRCh37 (hg19) VCF-style: chr1-67648571-C-T.
Identifiers: ClinVar variation 3698224 (VCV003698224.2).

ClinVar aggregate classification (germline): Uncertain significance (1 of 4 stars; one submission).

gnomAD v4.1: 13 of 1,613,894 alleles (0.00081%); highest among the groups gnomAD compares: South Asian, 0.014%; no homozygotes.

Submission:

Labcorp Genetics (formerly Invitae), Labcorp
Classification: Uncertain significance. Last evaluated: 2025-11-23. Review status: criteria provided, single submitter. Criteria: Invitae Variant Classification Sherloc (09022015). Collection method: clinical testing. Allele origin: germline.
Comment: This sequence change affects codon 140 of the IL23R mRNA. It is a 'silent' change, meaning that it does not change the encoded amino acid sequence of the IL23R protein. This variant is present in population databases (rs776289040, gnomAD 0.01%). This variant has not been reported in the literature in individuals affected with IL23R-related conditions. ClinVar contains an entry for this variant (Variation ID: 3698224). Algorithms developed to predict the effect of sequence changes on RNA splicing suggest that this variant may create or strengthen a splice site. In summary, the available evidence is currently insufficient to determine the role of this variant in disease. Therefore, it has been classified as a Variant of Uncertain Significance.